The following is an entry in ClinVar:

NM_001142800.2(EYS):c.4337G>T (p.Arg1446Leu)

Gene: EYS (EGF-like photoreceptor maintenance factor; minus strand). Cytogenetic location: 6q12.
Variant type: single nucleotide variant.
Coding change: c.4337G>T on transcript NM_001142800.2 (MANE Select); coding-DNA position 4337, G replaced by T.
Protein change: p.Arg1446Leu; replaces arginine 1446 with leucine.
Molecular consequence: missense variant.
Genome position (GRCh38, 1-based): chr6:64,591,530, C>A on the plus strand (G>T on the coding strand, the complement: EYS is on the minus strand). VCF-style: chr6-64591530-C-A. GRCh37 (hg19) VCF-style: chr6-65301423-C-A.
Other names: c.4337G>T (NM_001142800.1); c.4337G>T, p.Arg1446Leu (NM_001292009.2); short protein forms R1446L.
Identifiers: ClinVar variation 1473695 (VCV001473695.7), dbSNP rs562707818, ClinGen allele CA364783538.

ClinVar aggregate classification (germline): Uncertain significance. Review status: criteria provided, multiple submitters, no conflicts (2 of 4 stars). 2 submissions from 2 submitters: Uncertain significance (2). Last evaluated 2024-12-30.

Conditions:
Inborn genetic diseases. Identifiers: MedGen C0950123, MeSH D030342.

gnomAD v4.1: 2 of 1,551,278 alleles (0.00013%); highest among the groups gnomAD compares: Admixed American, 0.0039%; no homozygotes.

Submissions (2):

Ambry Genetics
Classification: Uncertain significance for Inborn genetic diseases. Last evaluated: 2024-12-30. Review status: criteria provided, single submitter. Criteria: Ambry Variant Classification Scheme 2023. Collection method: clinical testing. Allele origin: germline.

Labcorp Genetics (formerly Invitae), Labcorp
Classification: Uncertain significance. Last evaluated: 2023-10-13. Review status: criteria provided, single submitter. Criteria: Invitae Variant Classification Sherloc (09022015). Collection method: clinical testing. Allele origin: germline.
Comment: This sequence change replaces arginine, which is basic and polar, with leucine, which is neutral and non-polar, at codon 1446 of the EYS protein (p.Arg1446Leu). This variant is present in population databases (no rsID available, gnomAD 0.008%). This variant has not been reported in the literature in individuals affected with EYS-related conditions. ClinVar contains an entry for this variant (Variation ID: 1473695). Advanced modeling of protein sequence and biophysical properties (such as structural, functional, and spatial information, amino acid conservation, physicochemical variation, residue mobility, and thermodynamic stability) has been performed at Invitae for this missense variant, however the output from this modeling did not meet the statistical confidence thresholds required to predict the impact of this variant on EYS protein function. In summary, the available evidence is currently insufficient to determine the role of this variant in disease. Therefore, it has been classified as a Variant of Uncertain Significance.